The following is an entry in ClinVar:

NM_005204.4(MAP3K8):c.1189C>T (p.Arg397Cys)

Gene: MAP3K8 (mitogen-activated protein kinase kinase kinase 8; plus strand). Cytogenetic location: 10p11.23.
Variant type: single nucleotide variant.
Coding change: c.1189C>T on transcript NM_005204.4 (MANE Select); coding-DNA position 1189, C replaced by T.
Protein change: p.Arg397Cys; replaces arginine 397 with cysteine.
Molecular consequence: missense variant.
Genome position (GRCh38, 1-based): chr10:30,459,417, C>T. VCF-style: chr10-30459417-C-T. GRCh37 (hg19) VCF-style: chr10-30748346-C-T.
Other names: c.1189C>T, p.Arg397Cys (NM_001244134.1, NM_001320961.2); short protein forms R397C.
Identifiers: ClinVar variation 2907536 (VCV002907536.3), dbSNP rs769894329, ClinGen allele CA5459876.

ClinVar aggregate classification (germline): Uncertain significance (1 of 4 stars; one submission).

Allele frequency attached by ClinVar (database versions not stated): TOPMed below 0.00001; ExAC 0.00001; gnomAD exomes 0.00001.
gnomAD v4.1: 17 of 1,614,172 alleles (0.0011%); highest among the groups gnomAD compares: Non-Finnish European, 0.0013%; no homozygotes.

Submission:

Labcorp Genetics (formerly Invitae), Labcorp
Classification: Uncertain significance. Last evaluated: 2024-11-17. Review status: criteria provided, single submitter. Criteria: Invitae Variant Classification Sherloc (09022015). Collection method: clinical testing. Allele origin: germline.
Comment: This sequence change replaces arginine, which is basic and polar, with cysteine, which is neutral and slightly polar, at codon 397 of the MAP3K8 protein (p.Arg397Cys). This variant is present in population databases (rs769894329, gnomAD 0.0009%). This variant has not been reported in the literature in individuals affected with MAP3K8-related conditions. ClinVar contains an entry for this variant (Variation ID: 2907536). An algorithm developed to predict the effect of missense changes on protein structure and function (PolyPhen-2) suggests that this variant is likely to be disruptive. In summary, the available evidence is currently insufficient to determine the role of this variant in disease. Therefore, it has been classified as a Variant of Uncertain Significance.